The following is an entry in ClinVar:

NM_002755.4(MAP2K1):c.1069-3C>T

Genes: MAP2K1 (mitogen-activated protein kinase kinase 1; plus strand), SNAPC5 (small nuclear RNA activating complex polypeptide 5; minus strand). Cytogenetic location: 15q22.31.
Variant type: single nucleotide variant.
Coding change: c.1069-3C>T on transcript NM_002755.4 (MANE Select); 3 bases into the intron before coding-DNA position 1069, C replaced by T.
Molecular consequence: intron variant. On other transcripts: 3 prime UTR variant (1), non-coding transcript variant (1).
Genome position (GRCh38, 1-based): chr15:66,490,499, C>T. VCF-style: chr15-66490499-C-T. GRCh37 (hg19) VCF-style: chr15-66782837-C-T.
Other names: c.*240G>A (NM_006049.4); c.925-3C>T (NM_001411065.1).
Identifiers: ClinVar variation 2781425 (VCV002781425.3), dbSNP rs2545110151, ClinGen allele CA490862006.

ClinVar aggregate classification (germline): Uncertain significance (1 of 4 stars; one submission).

Conditions:
RASopathy. Also called: Noonan spectrum disorder; rasopathies. Identifiers: Orphanet 536391, MedGen C5555857, MONDO:0021060.

Allele frequency attached by ClinVar (database versions not stated): gnomAD exomes below 0.00001.
gnomAD v4.1: 2 of 1,599,446 alleles (0.00013%); highest among the groups gnomAD compares: East Asian, 0.0022%; no homozygotes.

Submission:

Labcorp Genetics (formerly Invitae), Labcorp
Classification: Uncertain significance for RASopathy. Last evaluated: 2023-11-27. Review status: criteria provided, single submitter. Criteria: Invitae Variant Classification Sherloc (09022015). Collection method: clinical testing. Allele origin: germline.
Comment: This sequence change falls in intron 10 of the MAP2K1 gene. It does not directly change the encoded amino acid sequence of the MAP2K1 protein. It affects a nucleotide within the consensus splice site. This variant is not present in population databases (gnomAD no frequency). This variant has not been reported in the literature in individuals affected with MAP2K1-related conditions. Variants that disrupt the consensus splice site are a relatively common cause of aberrant splicing (PMID: 17576681, 9536098). Algorithms developed to predict the effect of sequence changes on RNA splicing suggest that this variant is not likely to affect RNA splicing. In summary, the available evidence is currently insufficient to determine the role of this variant in disease. Therefore, it has been classified as a Variant of Uncertain Significance.

Literature cited by the submitters: PubMed 17576681; PubMed 9536098.